The following is an entry in ClinVar:

NM_001136191.3(KANK2):c.787G>C (p.Glu263Gln)

Gene: KANK2 (KN motif and ankyrin repeat domains 2; minus strand). Cytogenetic location: 19p13.2.
Variant type: single nucleotide variant.
Coding change: c.787G>C on transcript NM_001136191.3 (MANE Select); coding-DNA position 787, G replaced by C.
Protein change: p.Glu263Gln; replaces glutamic acid 263 with glutamine.
Molecular consequence: missense variant.
Genome position (GRCh38, 1-based): chr19:11,193,293, C>G on the plus strand (G>C on the coding strand, the complement: KANK2 is on the minus strand). VCF-style: chr19-11193293-C-G. GRCh37 (hg19) VCF-style: chr19-11303969-C-G.
Other names: c.787G>C, p.Glu263Gln (NM_001329451.2, NM_001379548.1, NM_001379549.1 and 15 more transcripts); short protein forms E263Q.
Identifiers: ClinVar variation 2988895 (VCV002988895.3), dbSNP rs748917149, ClinGen allele CA9205974.

ClinVar aggregate classification (germline): Uncertain significance (1 of 4 stars; one submission).

Allele frequency attached by ClinVar (database versions not stated): gnomAD exomes below 0.00001; ExAC 0.00001; gnomAD 0.00001.
gnomAD v4.1: 6 of 1,612,054 alleles (0.00037%); highest among the groups gnomAD compares: Admixed American, 0.005%; no homozygotes.

Submission:

Labcorp Genetics (formerly Invitae), Labcorp
Classification: Uncertain significance. Last evaluated: 2023-02-01. Review status: criteria provided, single submitter. Criteria: Invitae Variant Classification Sherloc (09022015). Collection method: clinical testing. Allele origin: germline.
Comment: This sequence change replaces glutamic acid, which is acidic and polar, with glutamine, which is neutral and polar, at codon 263 of the KANK2 protein (p.Glu263Gln). This variant is present in population databases (rs748917149, gnomAD 0.003%). This variant has not been reported in the literature in individuals affected with KANK2-related conditions. Algorithms developed to predict the effect of missense changes on protein structure and function (SIFT, PolyPhen-2, Align-GVGD) all suggest that this variant is likely to be tolerated. In summary, the available evidence is currently insufficient to determine the role of this variant in disease. Therefore, it has been classified as a Variant of Uncertain Significance.